The following is an entry in ClinVar:

ClinVar aggregate classification (germline): Pathogenic (1 of 4 stars; one submission).

Conditions:
Cohen syndrome (COH1). Also called: Cutis verticis gyrata, retinitis pigmentosa, and sensorineural deafness; PEPPER SYNDROME. Identifiers: Orphanet 193, MedGen C0265223, MONDO:0008999, OMIM 216550.

Submission:

Labcorp Genetics (formerly Invitae), Labcorp
Classification: Pathogenic for Cohen syndrome. Last evaluated: 2022-03-08. Review status: criteria provided, single submitter. Criteria: Invitae Variant Classification Sherloc (09022015). Collection method: clinical testing. Allele origin: germline.
Comment: This sequence change creates a premature translational stop signal (p.Leu2255*) in the VPS13B gene. It is expected to result in an absent or disrupted protein product. Loss-of-function variants in VPS13B are known to be pathogenic (PMID: 15141358, 16648375, 20461111). This variant is not present in population databases (gnomAD no frequency). This variant has not been reported in the literature in individuals affected with VPS13B-related conditions. For these reasons, this variant has been classified as Pathogenic.

Literature cited by the submitters: PubMed 15141358; PubMed 16648375; PubMed 20461111.

NM_152564.5(VPS13B):c.6689del (p.Cys2229_Leu2230insTer)

Gene: VPS13B (vacuolar protein sorting 13 homolog B; plus strand). Cytogenetic location: 8q22.2.
Variant type: Deletion.
Coding change: c.6689del on transcript NM_152564.5 (MANE Select); coding-DNA position 6689, one base deleted (T; older notation c.6689delT).
Protein change: p.Cys2229_Leu2230insTer.
Molecular consequence: nonsense.
Genome position (GRCh38, 1-based): chr8:99,720,376, T deleted; the last of 3 consecutive T bases (chr8:99,720,374-99,720,376); deleting any one gives the same sequence. VCF-style (leftmost placement, unchanged base first): chr8-99720373-GT-G. GRCh37 (hg19) VCF-style: chr8-100732601-GT-G.
Other names: c.6764del, p.Cys2254_Leu2255insTer (NM_017890.5).
Identifiers: ClinVar variation 1920884 (VCV001920884.5), dbSNP rs2491577146, ClinGen allele CA2580079150.